The following is an entry in ClinVar:

NM_152419.3(HGSNAT):c.704C>T (p.Ala235Val)

Gene: HGSNAT (heparan-alpha-glucosaminide N-acetyltransferase; plus strand). Cytogenetic location: 8p11.21.
Variant type: single nucleotide variant.
Coding change: c.704C>T on transcript NM_152419.3 (MANE Select); coding-DNA position 704, C replaced by T.
Protein change: p.Ala235Val; replaces alanine 235 with valine.
Molecular consequence: missense variant. On other transcripts: 5 prime UTR variant (1).
Genome position (GRCh38, 1-based): chr8:43,170,655, C>T. VCF-style: chr8-43170655-C-T. GRCh37 (hg19) VCF-style: chr8-43025798-C-T.
Other names: c.704C>T, p.Ala235Val (NM_001363227.2, NM_001363228.2); c.-130C>T (NM_001363229.2); short protein forms A235V.
Identifiers: ClinVar variation 1005248 (VCV001005248.3), dbSNP rs777641646, ClinGen allele CA4736590.
Genomic context (GRCh38, chr8:43,170,655, plus strand): 5'-CTCCCAGCAGGACAGACCCTCTCGATGGTGATGTTCAGCCAGCAACGTGGCGTCTATCTG[C>T]CCTGCCGCCCCGCCTCCGCAGCGTGGACACCTTCAGGGGGTATGTGGGCCTCCCTGTAGC-3'
Protein context (NP_689632.2, residues 225-245): DVQPATWRLS[Ala235Val]LPPRLRSVDT

ClinVar aggregate classification (germline): Uncertain significance. Review status: criteria provided, single submitter (1 of 4 stars). 2 submissions from 2 submitters: Uncertain significance (1). 1 of the submissions does not count toward it. Last evaluated 2022-10-25.

Conditions:
Mucopolysaccharidosis, MPS-III-C (MPS3C). Also called: MPS IIIC (Sanfilippo Syndrome Type C); MUCOPOLYSACCHARIDOSIS, TYPE IIIC; Mucopolysaccharidosis type IIIC (Sanfilippo C); mucopolysaccharidosis type 3C; SANFILIPPO SYNDROME C; MPS III C. Identifiers: Orphanet 581, Orphanet 79271, MedGen C0086649, MONDO:0009657, OMIM 252930.
Retinitis pigmentosa 73 (RP73). Identifiers: Orphanet 791, MedGen C4225287, MONDO:0014687, OMIM 616544.

Allele frequency attached by ClinVar (database versions not stated): TOPMed 0.00002; gnomAD exomes 0.00006 and 0.00001; ExAC 0.00011.
gnomAD v4.1: 20 of 1,608,072 alleles (0.0012%); highest among the groups gnomAD compares: Admixed American, 0.019%; no homozygotes.

Submissions (2):

Labcorp Genetics (formerly Invitae), Labcorp
Classification: Uncertain significance for Retinitis pigmentosa 73; Mucopolysaccharidosis, MPS-III-C. Last evaluated: 2022-10-25. Review status: criteria provided, single submitter. Criteria: Invitae Variant Classification Sherloc (09022015). Collection method: clinical testing. Allele origin: germline.
Comment: This sequence change replaces alanine, which is neutral and non-polar, with valine, which is neutral and non-polar, at codon 235 of the HGSNAT protein (p.Ala235Val). This variant is present in population databases (rs777641646, gnomAD 0.04%). This variant has not been reported in the literature in individuals affected with HGSNAT-related conditions. ClinVar contains an entry for this variant (Variation ID: 1005248). Advanced modeling of protein sequence and biophysical properties (such as structural, functional, and spatial information, amino acid conservation, physicochemical variation, residue mobility, and thermodynamic stability) performed at Invitae indicates that this missense variant is not expected to disrupt HGSNAT protein function. In summary, the available evidence is currently insufficient to determine the role of this variant in disease. Therefore, it has been classified as a Variant of Uncertain Significance.

Natera, Inc.
Classification: Uncertain significance for Mucopolysaccharidosis type IIIC. Last evaluated: 2020-06-29. Review status: no assertion criteria provided. Collection method: clinical testing. Allele origin: germline. Not counted in ClinVar's aggregate classification.